The following is an entry in ClinVar:

NM_024642.5(GALNT12):c.437A>T (p.Asn146Ile)

Gene: GALNT12 (polypeptide N-acetylgalactosaminyltransferase 12; plus strand). Cytogenetic location: 9q22.33.
Variant type: single nucleotide variant.
Coding change: c.437A>T on transcript NM_024642.5 (MANE Select); coding-DNA position 437, A replaced by T.
Protein change: p.Asn146Ile; replaces asparagine 146 with isoleucine.
Molecular consequence: missense variant.
Genome position (GRCh38, 1-based): chr9:98,823,321, A>T. VCF-style: chr9-98823321-A-T. GRCh37 (hg19) VCF-style: chr9-101585603-A-T.
Other names: short protein forms N146I.
Identifiers: ClinVar variation 1740137 (VCV001740137.2), dbSNP rs2490492277, ClinGen allele CA374216704.

ClinVar aggregate classification (germline): Uncertain significance (1 of 4 stars; one submission).

Submission:

Ambry Genetics
Classification: Uncertain significance. Last evaluated: 2022-02-18. Review status: criteria provided, single submitter. Criteria: Ambry Variant Classification Scheme 2023. Collection method: clinical testing. Allele origin: germline.
Comment: The p.N146I variant (also known as c.437A>T), located in coding exon 2 of the GALNT12 gene, results from an A to T substitution at nucleotide position 437. The asparagine at codon 146 is replaced by isoleucine, an amino acid with dissimilar properties. This amino acid position is conserved. In addition, this alteration is predicted to be deleterious by in silico analysis. Since supporting evidence is limited at this time, the clinical significance of this alteration remains unclear.